The following is an entry in ClinVar:

NM_006033.4(LIPG):c.607G>A (p.Asp203Asn)

Gene: LIPG (lipase G, endothelial type; plus strand). Cytogenetic location: 18q21.1.
Variant type: single nucleotide variant.
Coding change: c.607G>A on transcript NM_006033.4 (MANE Select); coding-DNA position 607, G replaced by A.
Protein change: p.Asp203Asn; replaces aspartic acid 203 with asparagine.
Molecular consequence: missense variant. On other transcripts: intron variant (1).
Genome position (GRCh38, 1-based): chr18:49,575,404, G>A. VCF-style: chr18-49575404-G-A. GRCh37 (hg19) VCF-style: chr18-47101774-G-A.
Other names: c.571+5856G>A (NM_001308006.2); short protein forms D203N.
Identifiers: ClinVar variation 2715862 (VCV002715862.3), dbSNP rs368016590, ClinGen allele CA8959171.

ClinVar aggregate classification (germline): Uncertain significance (1 of 4 stars; one submission).

Allele frequency attached by ClinVar (database versions not stated): ExAC 0.00002; gnomAD 0.00003; TOPMed 0.00003; ESP Exome Variant Server 0.00023.
gnomAD v4.1: 40 of 1,613,386 alleles (0.0025%); highest among the groups gnomAD compares: Non-Finnish European, 0.003%; no homozygotes.

Submission:

Labcorp Genetics (formerly Invitae), Labcorp
Classification: Uncertain significance. Last evaluated: 2025-09-30. Review status: criteria provided, single submitter. Criteria: Invitae Variant Classification Sherloc (09022015). Collection method: clinical testing. Allele origin: germline.
Comment: This sequence change replaces aspartic acid, which is acidic and polar, with asparagine, which is neutral and polar, at codon 203 of the LIPG protein (p.Asp203Asn). This variant is present in population databases (rs368016590, gnomAD 0.002%). This variant has not been reported in the literature in individuals affected with LIPG-related conditions. ClinVar contains an entry for this variant (Variation ID: 2715862). An algorithm developed to predict the effect of missense changes on protein structure and function (PolyPhen-2) suggests that this variant is likely to be tolerated. In summary, the available evidence is currently insufficient to determine the role of this variant in disease. Therefore, it has been classified as a Variant of Uncertain Significance.